The following is an entry in ClinVar:

ClinVar aggregate classification (germline): Uncertain significance (1 of 4 stars; one submission).

Conditions:
Multiple endocrine neoplasia type 4. Also called: MULTIPLE ENDOCRINE NEOPLASIA, TYPE IV. Identifiers: Orphanet 276152, MedGen C1970712, MONDO:0012552, OMIM 610755.

Submission:

Labcorp Genetics (formerly Invitae), Labcorp
Classification: Uncertain significance for Multiple endocrine neoplasia type 4. Last evaluated: 2020-07-09. Review status: criteria provided, single submitter. Criteria: Invitae Variant Classification Sherloc (09022015). Collection method: clinical testing. Allele origin: germline.
Comment: In summary, the available evidence is currently insufficient to determine the role of this variant in disease. Therefore, it has been classified as a Variant of Uncertain Significance. This variant has not been reported in the literature in individuals with CDKN1B-related conditions. This variant is not present in population databases (ExAC no frequency). This sequence change results in a frameshift in the CDKN1B gene (p.Asn164Thrfs*61). While this is not anticipated to result in nonsense mediated decay, it is expected to disrupt the last 35 amino acids of the CDKN1B protein and extend the protein by an additional 25 amino acids.

NM_004064.5(CDKN1B):c.491del (p.Asn164fs)

Gene: CDKN1B (cyclin dependent kinase inhibitor 1B; plus strand). Cytogenetic location: 12p13.1.
Variant type: Deletion.
Coding change: c.491del on transcript NM_004064.5 (MANE Select); coding-DNA position 491, one base deleted (A; older notation c.491delA).
Protein change: p.Asn164fs; shifts the reading frame from asparagine 164.
Molecular consequence: frameshift variant.
Genome position (GRCh38, 1-based): chr12:12,718,840, A deleted; the last of 4 consecutive A bases (chr12:12,718,837-12,718,840); deleting any one gives the same sequence. VCF-style (leftmost placement, unchanged base first): chr12-12718836-CA-C. GRCh37 (hg19) VCF-style: chr12-12871770-CA-C.
Other names: short protein forms N164fs.
Identifiers: ClinVar variation 1024252 (VCV001024252.6), dbSNP rs1946511422, ClinGen allele CA2017048212.